The following is an entry in ClinVar:

NM_003801.4(GPAA1):c.1388C>T (p.Ala463Val)

Gene: GPAA1 (glycosylphosphatidylinositol anchor attachment 1; plus strand). Cytogenetic location: 8q24.3.
Variant type: single nucleotide variant.
Coding change: c.1388C>T on transcript NM_003801.4 (MANE Select); coding-DNA position 1388, C replaced by T.
Protein change: p.Ala463Val; replaces alanine 463 with valine.
Molecular consequence: missense variant.
Genome position (GRCh38, 1-based): chr8:144,085,416, C>T. VCF-style: chr8-144085416-C-T. GRCh37 (hg19) VCF-style: chr8-145140319-C-T.
Other names: c.1388C>T (NM_003801.3); short protein forms A463V.
Identifiers: ClinVar variation 1919635 (VCV001919635.6), dbSNP rs781979516, ClinGen allele CA4933150.

ClinVar aggregate classification (germline): Uncertain significance. Review status: criteria provided, multiple submitters, no conflicts (2 of 4 stars). 2 submissions from 2 submitters: Uncertain significance (2). Last evaluated 2024-09-30.

Conditions:
Inborn genetic diseases. Identifiers: MedGen C0950123, MeSH D030342.

Allele frequency attached by ClinVar (database versions not stated): gnomAD exomes below 0.00001; TOPMed below 0.00001; ExAC 0.00001.

Submissions (2):

Ambry Genetics
Classification: Uncertain significance for Inborn genetic diseases. Last evaluated: 2024-09-30. Review status: criteria provided, single submitter. Criteria: Ambry Variant Classification Scheme 2023. Collection method: clinical testing. Allele origin: germline.

Labcorp Genetics (formerly Invitae), Labcorp
Classification: Uncertain significance. Last evaluated: 2022-04-15. Review status: criteria provided, single submitter. Criteria: Invitae Variant Classification Sherloc (09022015). Collection method: clinical testing. Allele origin: germline.
Comment: Algorithms developed to predict the effect of missense changes on protein structure and function are either unavailable or do not agree on the potential impact of this missense change (SIFT: "Deleterious"; PolyPhen-2: "Possibly Damaging"; Align-GVGD: "Class C0"). This variant has not been reported in the literature in individuals affected with GPAA1-related conditions. The frequency data for this variant in the population databases is considered unreliable, as metrics indicate poor data quality at this position in the gnomAD database. This sequence change replaces alanine, which is neutral and non-polar, with valine, which is neutral and non-polar, at codon 463 of the GPAA1 protein (p.Ala463Val). In summary, the available evidence is currently insufficient to determine the role of this variant in disease. Therefore, it has been classified as a Variant of Uncertain Significance.